The following is an entry in ClinVar:

ClinVar aggregate classification (germline): Uncertain significance (1 of 4 stars; one submission).

Conditions:
PLXNA4-related disorder. Also called: PLXNA4-related condition.

gnomAD v4.1: 8 of 1,613,302 alleles (0.0005%); highest among the groups gnomAD compares: African/African-American, 0.0027%; no homozygotes.

Submission:

PreventionGenetics, part of Exact Sciences
Classification: Uncertain significance for PLXNA4-related condition. Last evaluated: 2025-02-03. Review status: criteria provided, single submitter. Criteria: ACMG Guidelines, 2015. Collection method: clinical testing. Allele origin: germline.
Comment: The PLXNA4 c.3728C>T variant is predicted to result in the amino acid substitution p.Ala1243Val. To our knowledge, this variant has not been reported in the literature. This variant is reported in 0.0018% of alleles in individuals of European (Non-Finnish) descent in gnomAD. At this time, the clinical significance of this variant is uncertain due to the absence of conclusive functional and genetic evidence.

NM_020911.2(PLXNA4):c.3728C>T (p.Ala1243Val)

Gene: PLXNA4 (plexin A4; minus strand). Cytogenetic location: 7q32.3.
Variant type: single nucleotide variant.
Coding change: c.3728C>T on transcript NM_020911.2 (MANE Select); coding-DNA position 3728, C replaced by T.
Protein change: p.Ala1243Val; replaces alanine 1243 with valine.
Molecular consequence: missense variant.
Genome position (GRCh38, 1-based): chr7:132,179,833, G>A on the plus strand (C>T on the coding strand, the complement: PLXNA4 is on the minus strand). VCF-style: chr7-132179833-G-A. GRCh37 (hg19) VCF-style: chr7-131864592-G-A.
Other names: c.3728C>T, p.Ala1243Val (NM_001393897.1); short protein forms A1243V.
Identifiers: ClinVar variation 4986932 (VCV004986932.1).
Genomic context (GRCh38, chr7:132,179,833, plus strand): 5'-TTGCGTTTATAGGCAATGAGCACGGCCACGATGAAAATGATGAGGAGGCCGCCAGCCACT[G>A]CGATGCTGACGATGGCGGGCAGGCTGAGCGGGCTGTCCGGGGCAATGTACACCATCCCCG-3'
Protein context (NP_065962.1, residues 1233-1253): PLSLPAIVSI[Ala1243Val]VAGGLLIIFI